The following is an entry in ClinVar:

NM_000260.4(MYO7A):c.2534C>T (p.Ala845Val)

Gene: MYO7A (myosin VIIA; plus strand). Cytogenetic location: 11q13.5.
Variant type: single nucleotide variant.
Coding change: c.2534C>T on transcript NM_000260.4 (MANE Select); coding-DNA position 2534, C replaced by T.
Protein change: p.Ala845Val; replaces alanine 845 with valine.
Molecular consequence: missense variant.
Genome position (GRCh38, 1-based): chr11:77,179,901, C>T. VCF-style: chr11-77179901-C-T. GRCh37 (hg19) VCF-style: chr11-76890947-C-T.
Other names: c.2534C>T, p.Ala845Val (NM_001127180.2); c.2501C>T, p.Ala834Val (NM_001369365.1); short protein forms A845V, A834V.
Identifiers: ClinVar variation 2555505 (VCV002555505.3), dbSNP rs1735578122, ClinGen allele CA381941937.
Genomic context (GRCh38, chr11:77,179,901, plus strand): 5'-GCGCCTATCTGGTGCGCAAGGCCTTCCGCCACCGCCTCTGGGCTGTGCTCACCGTGCAGG[C>T]CTATGCCCGGGGCATGATCGCCCGCAGGCTGCACCAACGCCTCAGGGCTGAGGTGAGGGA-3'
Protein context (NP_000251.3, residues 835-855): HRLWAVLTVQ[Ala845Val]YARGMIARRL

ClinVar aggregate classification (germline): Uncertain significance. Review status: criteria provided, multiple submitters, no conflicts (2 of 4 stars). 2 submissions from 2 submitters: Uncertain significance (2). Last evaluated 2026-06-04.

Conditions:
MYO7A-related disorder. Also called: MYO7A-related disorders.
Inborn genetic diseases. Identifiers: MedGen C0950123, MeSH D030342.

Allele frequency attached by ClinVar (database versions not stated): gnomAD exomes below 0.00001; TOPMed below 0.00001; gnomAD 0.00001.
gnomAD v4.1: 2 of 1,538,558 alleles (0.00013%); highest among the groups gnomAD compares: Admixed American, 0.002%; no homozygotes.

Submissions (2):

PreventionGenetics, part of Exact Sciences
Classification: Uncertain significance for MYO7A-related condition. Last evaluated: 2026-06-04. Review status: criteria provided, single submitter. Criteria: ACMG Guidelines, 2015. Collection method: clinical testing. Allele origin: germline.
Comment: The MYO7A c.2534C>T variant is predicted to result in the amino acid substitution p.Ala845Val. To our knowledge, this variant has not been reported in the literature or in a large population database (gnomAD), indicating this variant is rare. At this time, the clinical significance of this variant is uncertain due to the absence of conclusive functional and genetic evidence.

Ambry Genetics
Classification: Uncertain significance for Inborn genetic diseases. Last evaluated: 2023-06-02. Review status: criteria provided, single submitter. Criteria: Ambry Variant Classification Scheme 2023. Collection method: clinical testing. Allele origin: germline.